The following is an entry in ClinVar:

ClinVar aggregate classification (germline): Uncertain significance (1 of 4 stars; one submission).

gnomAD v4.1: 121 of 1,611,158 alleles (0.0075%); highest among the groups gnomAD compares: Middle Eastern, 0.016%; no homozygotes.

Submission:

Dasa
Classification: Uncertain significance. Last evaluated: 2026-03-09. Review status: criteria provided, single submitter. Criteria: DASA Assertion Criteria. Collection method: clinical testing. Allele origin: germline.
Comment: NM_018995.3(MOV10L1):c.1810G>A (p.Val604Met) is a missense variant that results in the substitution of valine with methionine. This variant is rare in population databases. The currently available literature and clinical evidence are not sufficient to establish a definitive association between this variant and the reported condition. Therefore, this variant is classified as a variant of uncertain significance.

NM_018995.3(MOV10L1):c.1810G>A (p.Val604Met)

Gene: MOV10L1 (Mov10 like RNA helicase 1; plus strand). Cytogenetic location: 22q13.33.
Variant type: single nucleotide variant.
Coding change: c.1810G>A on transcript NM_018995.3 (MANE Select); coding-DNA position 1810, G replaced by A.
Protein change: p.Val604Met; replaces valine 604 with methionine.
Molecular consequence: missense variant.
Genome position (GRCh38, 1-based): chr22:50,126,264, G>A. VCF-style: chr22-50126264-G-A. GRCh37 (hg19) VCF-style: chr22-50564693-G-A.
Other names: c.1810G>A, p.Val604Met (NM_001164104.2); c.1750G>A, p.Val584Met (NM_001164105.2); short protein forms V584M, V604M.
Identifiers: ClinVar variation 4883766 (VCV004883766.2).